The following is an entry in ClinVar:

NM_000059.4(BRCA2):c.495T>G (p.Phe165Leu)

Gene: BRCA2 (BRCA2 DNA repair associated; plus strand). Cytogenetic location: 13q13.1.
Variant type: single nucleotide variant.
Coding change: c.495T>G on transcript NM_000059.4 (MANE Select); coding-DNA position 495, T replaced by G.
Protein change: p.Phe165Leu; replaces phenylalanine 165 with leucine.
Molecular consequence: missense variant.
Genome position (GRCh38, 1-based): chr13:32,326,261, T>G. VCF-style: chr13-32326261-T-G. GRCh37 (hg19) VCF-style: chr13-32900398-T-G.
Other names: short protein forms F165L.
Identifiers: ClinVar variation 1046760 (VCV001046760.9), dbSNP rs2072346456, ClinGen allele CA387757679.
Genomic context (GRCh38, chr13:32,326,261, plus strand): 5'-AAAAATAAAACTTAACAATTTTCCCCTTTTTTTACCCCCAGTGGTATGTGGGAGTTTGTT[T>G]CATACACCAAAGTTTGTGAAGGTAAATATTCTACCTGGTTTATTTTTATGACTTAGTAAT-3'
Protein context (NP_000050.3, residues 155-175): RDKSVVCGSL[Phe165Leu]HTPKFVKGRQ

ClinVar aggregate classification (germline): Uncertain significance (1 of 4 stars; one submission).

Conditions:
Hereditary breast ovarian cancer syndrome. Also called: Hereditary breast and/or ovarian cancer syndrome; Hereditary breast and ovarian cancer syndrome; Hereditary breast and ovarian cancer syndrome (HBOC); Breast and ovarian cancer; Hereditary breast and ovarian cancer; BRCA1- and BRCA2-Associated Hereditary Breast and Ovarian Cancer. Identifiers: Orphanet 145, MedGen C0677776, MeSH D061325, MONDO:0003582. Disease mechanism: loss of function.

Submission:

Labcorp Genetics (formerly Invitae), Labcorp
Classification: Uncertain significance for Hereditary breast ovarian cancer syndrome. Last evaluated: 2018-02-26. Review status: criteria provided, single submitter. Criteria: Invitae Variant Classification Sherloc (09022015). Collection method: clinical testing. Allele origin: germline.
Comment: This sequence change replaces phenylalanine with leucine at codon 165 of the BRCA2 protein (p.Phe165Leu). The phenylalanine residue is moderately conserved and there is a small physicochemical difference between phenylalanine and leucine. In summary, the available evidence is currently insufficient to determine the role of this variant in disease. Therefore, it has been classified as a Variant of Uncertain Significance. Algorithms developed to predict the effect of missense changes on protein structure and function do not agree on the potential impact of this missense change (SIFT: "Tolerated"; PolyPhen-2: "Possibly Damaging"; Align-GVGD: "Class C0"). This variant has not been reported in the literature in individuals with BRCA2-related disease. This variant is not present in population databases (ExAC no frequency).